The following is an entry in ClinVar:

ClinVar aggregate classification (germline): Uncertain significance (1 of 4 stars; one submission).

Conditions:
Inborn genetic diseases. Identifiers: MedGen C0950123, MeSH D030342.

Allele frequency attached by ClinVar (database versions not stated): TOPMed 0.00001.
gnomAD v4.1: 1 of 1,614,220 alleles (0.000062%); no homozygotes.

Submission:

Ambry Genetics
Classification: Uncertain significance for Inborn genetic diseases. Last evaluated: 2018-02-14. Review status: criteria provided, single submitter. Criteria: Ambry Variant Classification Scheme 2023. Collection method: clinical testing. Allele origin: germline.
Comment: The p.P2611A variant (also known as c.7831C>G), located in coding exon 22 of the NSD1 gene, results from a C to G substitution at nucleotide position 7831. The proline at codon 2611 is replaced by alanine, an amino acid with highly similar properties. This amino acid position is not conserved on species alignment. In addition, this alteration is predicted to be tolerated by in silico analysis. Since supporting evidence is limited at this time, the clinical significance of this alteration remains unclear.

NM_022455.5(NSD1):c.7831C>G (p.Pro2611Ala)

Gene: NSD1 (nuclear receptor binding SET domain protein 1; plus strand). Cytogenetic location: 5q35.3.
Variant type: single nucleotide variant.
Coding change: c.7831C>G on transcript NM_022455.5 (MANE Select); coding-DNA position 7831, C replaced by G.
Protein change: p.Pro2611Ala; replaces proline 2611 with alanine.
Molecular consequence: missense variant.
Genome position (GRCh38, 1-based): chr5:177,295,199, C>G. VCF-style: chr5-177295199-C-G. GRCh37 (hg19) VCF-style: chr5-176722200-C-G.
Other names: c.6958C>G, p.Pro2320Ala (NM_001365684.2, NM_001409308.1, NM_172349.5); c.7831C>G, p.Pro2611Ala (NM_001409301.1, NM_001409302.1, NM_001409303.1); c.7411C>G, p.Pro2471Ala (NM_001409304.1); c.7078C>G, p.Pro2360Ala (NM_001409305.1); c.7069C>G, p.Pro2357Ala (NM_001409306.1, NM_001409307.1); c.6709C>G, p.Pro2237Ala (NM_001409309.1); short protein forms P2237A, P2320A, P2611A, P2342A, P2357A, P2360A, P2471A.
Identifiers: ClinVar variation 1760810 (VCV001760810.2), dbSNP rs1760173375, ClinGen allele CA362334667.
Genomic context (GRCh38, chr5:177,295,199, plus strand): 5'-GCACTTGCCGCCAAGAGTGGGCAATCTTTTAGGTCTCTCGGGAAGGCCCCAGCCTCCCTC[C>G]CCACTGAAGAAAAGAAGTTGGTAACCACAGAGCAAAGTCCCTGGGCCCTGGGAAAAGCCT-3'
Protein context (NP_071900.2, residues 2601-2621): RSLGKAPASL[Pro2611Ala]TEEKKLVTTE